The following is an entry in ClinVar:

ClinVar aggregate classification (germline): Uncertain significance (1 of 4 stars; one submission).

Submission:

GeneDx
Classification: Uncertain significance. Last evaluated: 2024-02-02. Review status: criteria provided, single submitter. Criteria: GeneDx Variant Classification Process June 2021. Collection method: clinical testing. Allele origin: germline. Affected: yes.
Comment: In-frame insertion of 4 amino acids in a non-repeat region; Not observed at significant frequency in large population cohorts (gnomAD); Has not been previously published as pathogenic or benign to our knowledge

NM_012281.3(KCND2):c.6_17dup (p.Ala7_Trp8insGlyValAlaAla)

Gene: KCND2 (potassium voltage-gated channel subfamily D member 2; plus strand). Cytogenetic location: 7q31.31.
Variant type: Duplication.
Coding change: c.6_17dup on transcript NM_012281.3 (MANE Select); coding-DNA positions 6 to 17, 12 bases duplicated (GGCGGGGGTGGC).
Protein change: p.Ala7_Trp8insGlyValAlaAla.
Molecular consequence: inframe insertion, initiator codon variant.
Genome position (GRCh38, 1-based): chr7:120,274,638-120,274,649, GGCGGGGGTGGC duplicated; duplicating any 12 consecutive bases within chr7:120,274,634-120,274,649 gives the same sequence; the c. name uses the placement nearest the transcript's 3' end. VCF-style (leftmost placement, unchanged base first): chr7-120274633-A-ATGGCGGCGGGGG. GRCh37 (hg19) VCF-style: chr7-119914687-A-ATGGCGGCGGGGG.
Identifiers: ClinVar variation 3368546 (VCV003368546.1).